The following is an entry in ClinVar:

NM_024503.5(HIVEP3):c.7015A>G (p.Thr2339Ala)

Gene: HIVEP3 (HIVEP zinc finger 3; minus strand). Cytogenetic location: 1p34.2.
Variant type: single nucleotide variant.
Coding change: c.7015A>G on transcript NM_024503.5 (MANE Select); coding-DNA position 7015, A replaced by G.
Protein change: p.Thr2339Ala; replaces threonine 2339 with alanine.
Molecular consequence: missense variant.
Genome position (GRCh38, 1-based): chr1:41,510,657, T>C on the plus strand (A>G on the coding strand, the complement: HIVEP3 is on the minus strand). VCF-style: chr1-41510657-T-C. GRCh37 (hg19) VCF-style: chr1-41976328-T-C.
Other names: c.7012A>G, p.Thr2338Ala (NM_001127714.3); short protein forms T2339A, T2338A.
Identifiers: ClinVar variation 402941 (VCV000402941.7), dbSNP rs9439043, ClinGen allele CA797019.

ClinVar aggregate classification (germline): Benign. Review status: criteria provided, multiple submitters, no conflicts (2 of 4 stars). 3 submissions from 3 submitters: Benign (2). 1 of the submissions does not count toward it. Last evaluated 2016-03-29.

Conditions:
HIVEP3-related disorder. Also called: HIVEP3-related condition.

Allele frequency attached by ClinVar (database versions not stated): 1000 Genomes Project 30x 0.96002; 1000 Genomes Project 0.96306; TOPMed 0.96681; gnomAD 0.96854 and 0.97043; ESP Exome Variant Server 0.96907; ExAC 0.98898; gnomAD exomes 0.99257.

Submissions (3):

Laboratory for Molecular Medicine, Mass General Brigham Personalized Medicine
Classification: Benign. Last evaluated: 2016-03-29. Review status: criteria provided, single submitter. Criteria: LMM Criteria. Collection method: clinical testing. Allele origin: germline.
Comment: Variant identified in a genome or exome case(s) and assessed due to predicted null impact of the variant or pathogenic assertions in the literature or databases. Disclaimer: This variant has not undergone full assessment. The following are preliminary notes: Frequency

Breakthrough Genomics
Classification: Benign. Review status: criteria provided, single submitter. Criteria: ACMG Guidelines, 2015. Collection method: not provided. Allele origin: germline. Inheritance: Unknown mechanism. Affected: yes.

PreventionGenetics, part of Exact Sciences
Classification: Benign for HIVEP3-related condition. Last evaluated: 2021-04-30. Review status: no assertion criteria provided. Collection method: clinical testing. Allele origin: germline. Not counted in ClinVar's aggregate classification.
Comment: This variant is classified as benign based on ACMG/AMP sequence variant interpretation guidelines (Richards et al. 2015 PMID: 25741868, with internal and published modifications).